The following is an entry in ClinVar:

NM_001371596.2(MFSD8):c.1109A>T (p.His370Leu)

Gene: MFSD8 (major facilitator superfamily domain containing 8; minus strand). Cytogenetic location: 4q28.2.
Variant type: single nucleotide variant.
Coding change: c.1109A>T on transcript NM_001371596.2 (MANE Select); coding-DNA position 1109, A replaced by T.
Protein change: p.His370Leu; replaces histidine 370 with leucine.
Molecular consequence: missense variant. On other transcripts: synonymous variant (1).
Genome position (GRCh38, 1-based): chr4:127,921,765, T>A on the plus strand (A>T on the coding strand, the complement: MFSD8 is on the minus strand). VCF-style: chr4-127921765-T-A. GRCh37 (hg19) VCF-style: chr4-128842920-T-A.
Other names: c.1109A>T (NM_152778.2); c.908A>T, p.His303Leu (NM_001363520.3); c.794A>T, p.His265Leu (NM_001363521.3); c.974A>T, p.His325Leu (NM_001371590.2); c.1109A>T, p.His370Leu (NM_001371591.2, NM_152778.4); c.1115A>T, p.His372Leu (NM_001371592.2); c.995A>T, p.His332Leu (NM_001371593.2); c.962A>T, p.His321Leu (NM_001371594.2); and 3 more; short protein forms H265L, H303L, H370L, H325L, H332L, H372L, H276L, H321L.
Identifiers: ClinVar variation 1360808 (VCV001360808.5), dbSNP rs1578794999, ClinGen allele CA358171520.

ClinVar aggregate classification (germline): Uncertain significance. Review status: criteria provided, multiple submitters, no conflicts (2 of 4 stars). 2 submissions from 2 submitters: Uncertain significance (2). Last evaluated 2025-07-14.

Conditions:
Neuronal ceroid lipofuscinosis 7 (CLN7). Also called: MFSD8-Related Neuronal Ceroid-Lipofuscinosis. Identifiers: Orphanet 168491, Orphanet 228366, MedGen C1838571, MONDO:0012588, OMIM 610951.

Allele frequency attached by ClinVar (database versions not stated): TOPMed below 0.00001.

Submissions (2):

GeneDx
Classification: Uncertain significance. Last evaluated: 2025-07-14. Review status: criteria provided, single submitter. Criteria: GeneDx Variant Classification Process June 2021. Collection method: clinical testing. Allele origin: germline. Affected: yes.
Comment: Not observed at significant frequency in large population cohorts (gnomAD); In silico analysis suggests that this missense variant does not alter protein structure/function; Has not been previously published as pathogenic or benign to our knowledge

Labcorp Genetics (formerly Invitae), Labcorp
Classification: Uncertain significance for Neuronal ceroid lipofuscinosis 7. Last evaluated: 2021-10-13. Review status: criteria provided, single submitter. Criteria: Invitae Variant Classification Sherloc (09022015). Collection method: clinical testing. Allele origin: germline.
Comment: This sequence change replaces histidine with leucine at codon 370 of the MFSD8 protein (p.His370Leu). The histidine residue is moderately conserved and there is a moderate physicochemical difference between histidine and leucine. This variant is not present in population databases (ExAC no frequency). This variant has not been reported in the literature in individuals affected with MFSD8-related conditions. Algorithms developed to predict the effect of missense changes on protein structure and function (SIFT, PolyPhen-2, Align-GVGD) all suggest that this variant is likely to be tolerated. In summary, the available evidence is currently insufficient to determine the role of this variant in disease. Therefore, it has been classified as a Variant of Uncertain Significance.